The following is an entry in ClinVar:

NM_001379451.1(BCORL1):c.1211C>G (p.Ala404Gly)

Gene: BCORL1 (BCL6 corepressor like 1; plus strand). Cytogenetic location: Xq26.1.
Variant type: single nucleotide variant.
Coding change: c.1211C>G on transcript NM_001379451.1 (MANE Select); coding-DNA position 1211, C replaced by G.
Protein change: p.Ala404Gly; replaces alanine 404 with glycine.
Molecular consequence: missense variant.
Genome position (GRCh38, 1-based): chrX:130,013,983, C>G. VCF-style: chrX-130013983-C-G. GRCh37 (hg19) VCF-style: chrX-129147959-C-G.
Other names: c.1211C>G, p.Ala404Gly (NM_001184772.3, NM_001379450.1, NM_021946.5); short protein forms A404G.
Identifiers: ClinVar variation 1406794 (VCV001406794.6), dbSNP rs2124443763, ClinGen allele CA414580722.

ClinVar aggregate classification (germline): Uncertain significance (1 of 4 stars; one submission).

Allele frequency attached by ClinVar (database versions not stated): gnomAD exomes below 0.00001.
gnomAD v4.1: 2 of 1,209,142 alleles (0.00017%); highest among the groups gnomAD compares: Non-Finnish European, 0.00022%; no homozygotes.

Submission:

Labcorp Genetics (formerly Invitae), Labcorp
Classification: Uncertain significance. Last evaluated: 2022-11-04. Review status: criteria provided, single submitter. Criteria: Invitae Variant Classification Sherloc (09022015). Collection method: clinical testing. Allele origin: germline.
Comment: This variant is not present in population databases (gnomAD no frequency). This sequence change replaces alanine, which is neutral and non-polar, with glycine, which is neutral and non-polar, at codon 404 of the BCORL1 protein (p.Ala404Gly). This variant has not been reported in the literature in individuals affected with BCORL1-related conditions. In summary, the available evidence is currently insufficient to determine the role of this variant in disease. Therefore, it has been classified as a Variant of Uncertain Significance. Algorithms developed to predict the effect of missense changes on protein structure and function are either unavailable or do not agree on the potential impact of this missense change (SIFT: "Tolerated"; PolyPhen-2: "Not Available"; Align-GVGD: "Class C0"). ClinVar contains an entry for this variant (Variation ID: 1406794).